The following is an entry in ClinVar:

NM_000718.4(CACNA1B):c.5818G>A (p.Gly1940Ser)

Gene: CACNA1B (calcium voltage-gated channel subunit alpha1 B; plus strand). Cytogenetic location: 9q34.3.
Variant type: single nucleotide variant.
Coding change: c.5818G>A on transcript NM_000718.4 (MANE Select); coding-DNA position 5818, G replaced by A.
Protein change: p.Gly1940Ser; replaces glycine 1940 with serine.
Molecular consequence: missense variant.
Genome position (GRCh38, 1-based): chr9:138,117,986, G>A. VCF-style: chr9-138117986-G-A. GRCh37 (hg19) VCF-style: chr9-141012438-G-A.
Other names: c.5818G>A, p.Gly1940Ser (NM_001243812.2); c.5818G>A (NM_000718.3); short protein forms G1940S.
Identifiers: ClinVar variation 2878290 (VCV002878290.4), dbSNP rs200316245, ClinGen allele CA201872150.

ClinVar aggregate classification (germline): Uncertain significance. Review status: criteria provided, multiple submitters, no conflicts (2 of 4 stars). 2 submissions from 2 submitters: Uncertain significance (2). Last evaluated 2025-12-09.

Allele frequency attached by ClinVar (database versions not stated): gnomAD exomes 0.00001; TOPMed 0.00001.

Submissions (2):

Ambry Genetics
Classification: Uncertain significance. Last evaluated: 2025-12-09. Review status: criteria provided, single submitter. Criteria: Ambry Variant Classification Scheme 2023. Collection method: clinical testing. Allele origin: germline.

Labcorp Genetics (formerly Invitae), Labcorp
Classification: Uncertain significance. Last evaluated: 2025-06-12. Review status: criteria provided, single submitter. Criteria: Invitae Variant Classification Sherloc (09022015). Collection method: clinical testing. Allele origin: germline.
Comment: This sequence change replaces glycine, which is neutral and non-polar, with serine, which is neutral and polar, at codon 1940 of the CACNA1B protein (p.Gly1940Ser). The frequency data for this variant in the population databases is considered unreliable, as metrics indicate poor data quality at this position in the gnomAD database. This variant has not been reported in the literature in individuals affected with CACNA1B-related conditions. ClinVar contains an entry for this variant (Variation ID: 2878290). Invitae Evidence Modeling of protein sequence and biophysical properties (such as structural, functional, and spatial information, amino acid conservation, physicochemical variation, residue mobility, and thermodynamic stability) indicates that this missense variant is not expected to disrupt CACNA1B protein function with a negative predictive value of 80%. In summary, the available evidence is currently insufficient to determine the role of this variant in disease. Therefore, it has been classified as a Variant of Uncertain Significance.